The following is an entry in ClinVar:

NM_001698.3(AUH):c.623T>C (p.Val208Ala)

Gene: AUH (AU RNA binding methylglutaconyl-CoA hydratase; minus strand). Cytogenetic location: 9q22.31.
Variant type: single nucleotide variant.
Coding change: c.623T>C on transcript NM_001698.3 (MANE Select); coding-DNA position 623, T replaced by C.
Protein change: p.Val208Ala; replaces valine 208 with alanine.
Molecular consequence: missense variant.
Genome position (GRCh38, 1-based): chr9:91,296,053, A>G on the plus strand (T>C on the coding strand, the complement: AUH is on the minus strand). VCF-style: chr9-91296053-A-G. GRCh37 (hg19) VCF-style: chr9-94058335-A-G.
Other names: c.536T>C, p.Val179Ala (NM_001306190.2); c.296T>C, p.Val99Ala (NM_001351431.2, NM_001351432.2, NM_001351433.2); short protein forms V208A, V99A, V179A.
Identifiers: ClinVar variation 937293 (VCV000937293.10), dbSNP rs1050057219, ClinGen allele CA195908782.

ClinVar aggregate classification (germline): Uncertain significance. Review status: criteria provided, multiple submitters, no conflicts (2 of 4 stars). 2 submissions from 2 submitters: Uncertain significance (2). Last evaluated 2024-07-08.

Conditions:
Inborn genetic diseases. Identifiers: MedGen C0950123, MeSH D030342.
3-methylglutaconic aciduria type 1 (MGCA1). Identifiers: Orphanet 67046, MedGen C0342727, MONDO:0009610, OMIM 250950.

Allele frequency attached by ClinVar (database versions not stated): TOPMed 0.00001; gnomAD exomes below 0.00001.
gnomAD v4.1: 7 of 1,614,108 alleles (0.00043%); highest among the groups gnomAD compares: Admixed American, 0.0033%; no homozygotes.

Submissions (2):

Labcorp Genetics (formerly Invitae), Labcorp
Classification: Uncertain significance for 3-methylglutaconic aciduria type 1. Last evaluated: 2024-07-08. Review status: criteria provided, single submitter. Criteria: Invitae Variant Classification Sherloc (09022015). Collection method: clinical testing. Allele origin: germline.
Comment: This sequence change replaces valine, which is neutral and non-polar, with alanine, which is neutral and non-polar, at codon 208 of the AUH protein (p.Val208Ala). This variant is present in population databases (no rsID available, gnomAD 0.003%). This variant has not been reported in the literature in individuals affected with AUH-related conditions. ClinVar contains an entry for this variant (Variation ID: 937293). Advanced modeling of protein sequence and biophysical properties (such as structural, functional, and spatial information, amino acid conservation, physicochemical variation, residue mobility, and thermodynamic stability) has been performed at Invitae for this missense variant, however the output from this modeling did not meet the statistical confidence thresholds required to predict the impact of this variant on AUH protein function. In summary, the available evidence is currently insufficient to determine the role of this variant in disease. Therefore, it has been classified as a Variant of Uncertain Significance.

Ambry Genetics
Classification: Uncertain significance for Inborn genetic diseases. Last evaluated: 2023-11-13. Review status: criteria provided, single submitter. Criteria: Ambry Variant Classification Scheme 2023. Collection method: clinical testing. Allele origin: germline.